The following is an entry in ClinVar:

ClinVar aggregate classification (germline): Benign (1 of 4 stars; one submission).

Allele frequency attached by ClinVar (database versions not stated): 1000 Genomes Project 30x 0.16255; 1000 Genomes Project 0.16633; TOPMed 0.21312; gnomAD 0.21522 and 0.21656.
gnomAD v4.1: 33,094 of 152,092 alleles (22%); highest among the groups gnomAD compares: Middle Eastern, 29%; 4,423 homozygotes.

Submission:

GeneDx
Classification: Benign. Last evaluated: 2018-06-14. Review status: criteria provided, single submitter. Criteria: GeneDx Variant Classification (06012015). Collection method: clinical testing. Allele origin: germline. Affected: yes.
Comment: This variant is considered likely benign or benign based on one or more of the following criteria: it is a conservative change, it occurs at a poorly conserved position in the protein, it is predicted to be benign by multiple in silico algorithms, and/or has population frequency not consistent with disease.

NM_006059.4(LAMC3):c.2748-230G>A

Gene: LAMC3 (laminin subunit gamma 3; plus strand). Cytogenetic location: 9q34.12.
Variant type: single nucleotide variant.
Coding change: c.2748-230G>A on transcript NM_006059.4 (MANE Select); 230 bases into the intron before coding-DNA position 2748, G replaced by A.
Molecular consequence: intron variant.
Genome position (GRCh38, 1-based): chr9:131,068,678, G>A. VCF-style: chr9-131068678-G-A. GRCh37 (hg19) VCF-style: chr9-133944065-G-A.
Identifiers: ClinVar variation 683000 (VCV000683000.1), dbSNP rs10901341, ClinGen allele CA13001833.